The following is an entry in ClinVar:

ClinVar aggregate classification (germline): Uncertain significance (1 of 4 stars; one submission).

Conditions:
Hereditary cancer-predisposing syndrome. Also called: Tumor predisposition; Hereditary Cancer Syndrome; Hereditary neoplastic syndrome; Neoplastic Syndromes, Hereditary. Identifiers: Orphanet 140162, MedGen C0027672, MeSH D009386, MONDO:0015356.

Submission:

Ambry Genetics
Classification: Uncertain significance for Hereditary cancer-predisposing syndrome. Last evaluated: 2023-08-07. Review status: criteria provided, single submitter. Criteria: Ambry Variant Classification Scheme 2023. Collection method: clinical testing. Allele origin: germline.
Comment: The p.Q1048L variant (also known as c.3143A>T), located in coding exon 4 of the MSH6 gene, results from an A to T substitution at nucleotide position 3143. The glutamine at codon 1048 is replaced by leucine, an amino acid with dissimilar properties. This amino acid position is conserved. In addition, the in silico prediction for this alteration is inconclusive. Since supporting evidence is limited at this time, the clinical significance of this alteration remains unclear.

NM_000179.3(MSH6):c.3143A>T (p.Gln1048Leu)

Gene: MSH6 (mutS homolog 6; plus strand). Cytogenetic location: 2p16.3.
Variant type: single nucleotide variant.
Coding change: c.3143A>T on transcript NM_000179.3 (MANE Select); coding-DNA position 3143, A replaced by T.
Protein change: p.Gln1048Leu; replaces glutamine 1048 with leucine.
Molecular consequence: missense variant. On other transcripts: non-coding transcript variant (5), intron variant (2).
Genome position (GRCh38, 1-based): chr2:47,801,126, A>T. VCF-style: chr2-47801126-A-T. GRCh37 (hg19) VCF-style: chr2-48028265-A-T.
Other names: c.2753A>T, p.Gln918Leu (NM_001281492.2); c.2237A>T, p.Gln746Leu (NM_001281493.2, NM_001281494.2, NM_001406811.1 and 6 more transcripts); c.3239A>T, p.Gln1080Leu (NM_001406795.1, NM_001406802.1); c.3143A>T, p.Gln1048Leu (NM_001406796.1, NM_001406798.1, NM_001406800.1 and 2 more transcripts); c.2846A>T, p.Gln949Leu (NM_001406797.1, NM_001406801.1, NM_001406805.1 and 10 more transcripts); c.2618A>T, p.Gln873Leu (NM_001406799.1, NM_001406806.1, NM_001406807.1); c.3065A>T, p.Gln1022Leu (NM_001406804.1); c.3149A>T, p.Gln1050Leu (NM_001406813.1); and 4 more; short protein forms Q1048L, Q949L, Q363L, Q873L, Q918L, Q1022L, Q1050L, Q1080L.
Identifiers: ClinVar variation 2587340 (VCV002587340.2), dbSNP rs1572730351, ClinGen allele CA346756695.